The following is an entry in ClinVar:

NM_014956.5(CEP164):c.669G>A (p.Glu223=)

Gene: CEP164 (centrosomal protein 164; plus strand). Cytogenetic location: 11q23.3.
Variant type: single nucleotide variant.
Coding change: c.669G>A on transcript NM_014956.5 (MANE Select); coding-DNA position 669, G replaced by A.
Protein change: p.Glu223=; no amino-acid change (glutamic acid 223 retained).
Molecular consequence: synonymous variant.
Genome position (GRCh38, 1-based): chr11:117,362,520, G>A. VCF-style: chr11-117362520-G-A. GRCh37 (hg19) VCF-style: chr11-117233236-G-A.
Other names: c.669G>A, p.Glu223= (NM_001271933.2, NM_001440949.1, NM_001440950.1 and 36 more transcripts); c.531G>A, p.Glu177= (NM_001440960.1).
Identifiers: ClinVar variation 4823487 (VCV004823487.4).
Genomic context (GRCh38, chr11:117,362,520, plus strand): 5'-TGAGGACAAGACTGCTCTCAGCCTCTTGGGTTTAGGAGAAGAAACCAATGAGGAGGATGA[G>A]GAGGAAAGTGACAACCAGGTAATGATGAAGTCCTCTCCCTGGCCTGGAAACCCTCTGTGC-3'
Protein context (NP_055771.4, residues 213-233): GLGEETNEED[Glu223=]EESDNQSVHS

ClinVar aggregate classification (germline): Likely benign (1 of 4 stars; one submission).

gnomAD v4.1: 4 of 1,613,566 alleles (0.00025%); highest among the groups gnomAD compares: Non-Finnish European, 0.00034%; no homozygotes.

Submission:

CeGaT Center for Human Genetics Tuebingen
Classification: Likely benign. Last evaluated: 2026-03-01. Review status: criteria provided, single submitter. Criteria: CeGaT Center For Human Genetics Tuebingen Variant Classification Criteria Version 2. Collection method: clinical testing. Allele origin: germline. Affected: yes. Observed: 1 variant allele.
Comment: CEP164: BP4, BP7